The following is an entry in ClinVar:

ClinVar aggregate classification (germline): Uncertain significance (1 of 4 stars; one submission).

gnomAD v4.1: 4 of 1,528,746 alleles (0.00026%); highest among the groups gnomAD compares: African/African-American, 0.0014%; no homozygotes.

Submission:

GeneDx
Classification: Uncertain significance. Last evaluated: 2025-03-12. Review status: criteria provided, single submitter. Criteria: GeneDx Variant Classification Process June 2021. Collection method: clinical testing. Allele origin: germline. Affected: yes.
Comment: Not observed at significant frequency in large population cohorts (gnomAD); In silico analysis supports a deleterious effect on splicing; Has not been previously published as pathogenic or benign to our knowledge; Variants in candidate genes are classified as variants of uncertain significance in accordance with ACMG guidelines (PMID: 25741868)

NM_007187.5(WBP4):c.756G>A (p.Lys252=)

Gene: WBP4 (WW domain binding protein 4; plus strand). Cytogenetic location: 13q14.11.
Variant type: single nucleotide variant.
Coding change: c.756G>A on transcript NM_007187.5 (MANE Select); coding-DNA position 756, G replaced by A.
Protein change: p.Lys252=; no amino-acid change (lysine 252 retained).
Molecular consequence: synonymous variant.
Genome position (GRCh38, 1-based): chr13:41,076,237, G>A. VCF-style: chr13-41076237-G-A. GRCh37 (hg19) VCF-style: chr13-41650373-G-A.
Identifiers: ClinVar variation 4083005 (VCV004083005.1).